The following is an entry in ClinVar:

NM_018062.4(FANCL):c.62C>G (p.Ser21Trp)

Gene: FANCL (FA complementation group L; minus strand). Cytogenetic location: 2p16.1.
Variant type: single nucleotide variant.
Coding change: c.62C>G on transcript NM_018062.4 (MANE Select); coding-DNA position 62, C replaced by G.
Protein change: p.Ser21Trp; replaces serine 21 with tryptophan.
Molecular consequence: missense variant.
Genome position (GRCh38, 1-based): chr2:58,241,252, G>C on the plus strand (C>G on the coding strand, the complement: FANCL is on the minus strand). VCF-style: chr2-58241252-G-C. GRCh37 (hg19) VCF-style: chr2-58468387-G-C.
Other names: c.62C>G, p.Ser21Trp (NM_001114636.2, NM_001374615.1, NM_001410792.1); short protein forms S21W.
Identifiers: ClinVar variation 2203443 (VCV002203443.2), dbSNP rs542395849, ClinGen allele CA1670824.

ClinVar aggregate classification (germline): Uncertain significance. Review status: criteria provided, multiple submitters, no conflicts (2 of 4 stars). 2 submissions from 2 submitters: Uncertain significance (2). Last evaluated 2025-08-19.

Conditions:
Fanconi anemia (FA). Also called: Fanconi's anemia. Identifiers: Orphanet 84, MedGen C0015625, MeSH D005199, MONDO:0019391.
Inborn genetic diseases. Identifiers: MedGen C0950123, MeSH D030342.

Allele frequency attached by ClinVar (database versions not stated): TOPMed below 0.00001; gnomAD 0.00001; gnomAD exomes 0.00003; ExAC 0.00009; 1000 Genomes Project 30x 0.00016; 1000 Genomes Project 0.00020.
gnomAD v4.1: 41 of 1,614,254 alleles (0.0025%); highest among the groups gnomAD compares: South Asian, 0.041%; no homozygotes.

Submissions (2):

Ambry Genetics
Classification: Uncertain significance for Inborn genetic diseases. Last evaluated: 2025-08-19. Review status: criteria provided, single submitter. Criteria: Ambry Variant Classification Scheme 2023. Collection method: clinical testing. Allele origin: germline.

Labcorp Genetics (formerly Invitae), Labcorp
Classification: Uncertain significance for Fanconi anemia. Last evaluated: 2022-08-24. Review status: criteria provided, single submitter. Criteria: Invitae Variant Classification Sherloc (09022015). Collection method: clinical testing. Allele origin: germline.
Comment: This sequence change replaces serine, which is neutral and polar, with tryptophan, which is neutral and slightly polar, at codon 21 of the FANCL protein (p.Ser21Trp). This variant is present in population databases (rs542395849, gnomAD 0.06%). This variant has not been reported in the literature in individuals affected with FANCL-related conditions. Algorithms developed to predict the effect of missense changes on protein structure and function are either unavailable or do not agree on the potential impact of this missense change (SIFT: "Deleterious"; PolyPhen-2: "Possibly Damaging"; Align-GVGD: "Class C15"). In summary, the available evidence is currently insufficient to determine the role of this variant in disease. Therefore, it has been classified as a Variant of Uncertain Significance.